The following is an entry in ClinVar:

NM_006005.3(WFS1):c.2600G>A (p.Trp867Ter)

Gene: WFS1 (wolframin ER transmembrane glycoprotein; plus strand). Cytogenetic location: 4p16.1.
Variant type: single nucleotide variant.
Coding change: c.2600G>A on transcript NM_006005.3 (MANE Select); coding-DNA position 2600, G replaced by A.
Protein change: p.Trp867Ter; replaces tryptophan 867 with a stop codon.
Molecular consequence: nonsense.
Genome position (GRCh38, 1-based): chr4:6,302,395, G>A. VCF-style: chr4-6302395-G-A. GRCh37 (hg19) VCF-style: chr4-6304122-G-A.
Other names: c.2600G>A, p.Trp867Ter (NM_001145853.1); short protein forms W867*.
Identifiers: ClinVar variation 452384 (VCV000452384.3), dbSNP rs1553879087, ClinGen allele CA356179417.

ClinVar aggregate classification (germline): Pathogenic/Likely pathogenic. Review status: criteria provided, multiple submitters, no conflicts (2 of 4 stars). 2 submissions from 2 submitters: Pathogenic (1); Likely pathogenic (1). Last evaluated 2017-09-29.

Conditions:
Wolfram syndrome 1 (WFS1). Identifiers: Orphanet 3463, MedGen C4551693, MONDO:0009101, OMIM 222300.

Allele frequency attached by ClinVar (database versions not stated): gnomAD exomes below 0.00001.
gnomAD v4.1: 1 of 1,613,084 alleles (0.000062%); highest among the groups gnomAD compares: East Asian, 0.0022%; no homozygotes.

Submissions (2):

GeneDx
Classification: Likely pathogenic. Last evaluated: 2017-09-29. Review status: criteria provided, single submitter. Criteria: GeneDx Variant Classification (06012015). Collection method: clinical testing. Allele origin: germline. Affected: yes.
Comment: The c.2600 G>A nucleotide substitution leading to the W867X variant in the WFS1 gene has not been reported previously as a pathogenic variant, nor as a benign variant, to our knowledge. However, a different nucleotide substitution (c.2601 G>A) leading to the W867X variant has been reported in several publications in at least one female with Wolfram syndrome who was also reported to have a variant of unknown significance in the 5' untranslated region of WFS1 in trans with the W867X variant (Giuliano et al., 2005; Chaussenot et al., 2011; Chaussenot et al., 2015; Grenier et al., 2016). This variant is predicted to cause loss of normal protein function through protein truncation. The W867X variant is not observed in large population cohorts (Lek et al., 2016). We interpret W867X as a likely pathogenic variant.

Clinical Genomics, Uppaluri K&H Personalized Medicine Clinic
Classification: Pathogenic for Wolfram syndrome 1. Review status: criteria provided, single submitter. Criteria: K & H Uppaluri Personalized Medicine Clinic Variant Classification & Assertion Criteria_Updated V.1. Collection method: research. Allele origin: unknown. Inheritance: Autosomal recessive inheritance.
Comment: Potent mutations in WFS1 gene are associated with Wolfram's syndrome, an autosomal recessive condition, which cause diabetes mellitus, diabetes insipidus, deafness and optic atrophy.However no sufficient evidence is found to ascertain the role of this particular variant rs1553879087 in Wolfram's syndrome yet.

Literature cited by the submitters: PubMed 20738327 (cited by Clinical Genomics, Uppaluri K&H Personalized Medicine Clinic); PubMed 33879153 (cited by Clinical Genomics, Uppaluri K&H Personalized Medicine Clinic); PubMed 12955714 (cited by Clinical Genomics, Uppaluri K&H Personalized Medicine Clinic); PubMed 18060660 (cited by Clinical Genomics, Uppaluri K&H Personalized Medicine Clinic); PubMed 20301750 (cited by Clinical Genomics, Uppaluri K&H Personalized Medicine Clinic); PubMed 17603484 (cited by Clinical Genomics, Uppaluri K&H Personalized Medicine Clinic).